The following is an entry in ClinVar:

ClinVar aggregate classification (germline): Uncertain significance. Review status: criteria provided, multiple submitters, no conflicts (2 of 4 stars). 3 submissions from 3 submitters: Uncertain significance (3). Last evaluated 2024-11-15.

Conditions:
Fetal akinesia deformation sequence 1 (FADS1). Also called: Fetal akinesia sequence; Pena-Shokeir syndrome type I. Identifiers: Orphanet 994, MedGen C1276035, MONDO:0100101, OMIM 208150, HP:0001989.
Congenital myasthenic syndrome 10. Also called: Myasthenia, limb-girdle, familial. Identifiers: Orphanet 590, MedGen C1850792, MONDO:0009690, OMIM 254300.

Allele frequency attached by ClinVar (database versions not stated): gnomAD 0.00001 and 0.00002; gnomAD exomes 0.00001; TOPMed 0.00003.

Submissions (3):

GeneDx
Classification: Uncertain significance. Last evaluated: 2024-11-15. Review status: criteria provided, single submitter. Criteria: GeneDx Variant Classification Process June 2021. Collection method: clinical testing. Allele origin: germline. Affected: yes.
Comment: Not observed at significant frequency in large population cohorts (gnomAD); In silico analysis supports that this missense variant has a deleterious effect on protein structure/function; Has not been previously published as pathogenic or benign to our knowledge

Labcorp Genetics (formerly Invitae), Labcorp
Classification: Uncertain significance for Congenital myasthenic syndrome 10; Fetal akinesia deformation sequence 1. Last evaluated: 2022-05-12. Review status: criteria provided, single submitter. Criteria: Invitae Variant Classification Sherloc (09022015). Collection method: clinical testing. Allele origin: germline.
Comment: This sequence change replaces leucine, which is neutral and non-polar, with proline, which is neutral and non-polar, at codon 212 of the DOK7 protein (p.Leu212Pro). This variant is not present in population databases (gnomAD no frequency). This variant has not been reported in the literature in individuals affected with DOK7-related conditions. Algorithms developed to predict the effect of missense changes on protein structure and function are either unavailable or do not agree on the potential impact of this missense change (SIFT: "Deleterious"; PolyPhen-2: "Probably Damaging"; Align-GVGD: "Class C0"). In summary, the available evidence is currently insufficient to determine the role of this variant in disease. Therefore, it has been classified as a Variant of Uncertain Significance.

Women's Health and Genetics/Laboratory Corporation of America, LabCorp
Classification: Uncertain significance. Last evaluated: 2022-05-03. Review status: criteria provided, single submitter. Criteria: LabCorp Variant Classification Summary - May 2015. Collection method: clinical testing. Allele origin: germline.

NM_173660.5(DOK7):c.635T>C (p.Leu212Pro)

Gene: DOK7 (docking protein 7; plus strand). Cytogenetic location: 4p16.3.
Variant type: single nucleotide variant.
Coding change: c.635T>C on transcript NM_173660.5 (MANE Select); coding-DNA position 635, T replaced by C.
Protein change: p.Leu212Pro; replaces leucine 212 with proline.
Molecular consequence: missense variant. On other transcripts: synonymous variant (1), 5 prime UTR variant (1).
Genome position (GRCh38, 1-based): chr4:3,485,641, T>C. VCF-style: chr4-3485641-T-C. GRCh37 (hg19) VCF-style: chr4-3487368-T-C.
Other names: c.624T>C, p.Ala208= (NM_001164673.2); c.-296T>C (NM_001256896.2); c.635T>C, p.Leu212Pro (NM_001301071.2); c.203T>C, p.Leu68Pro (NM_001363811.2); short protein forms L212P, L68P.
Identifiers: ClinVar variation 1696035 (VCV001696035.4), dbSNP rs553985062, ClinGen allele CA91544598.